The following is an entry in ClinVar:

NM_001042492.3(NF1):c.2903T>A (p.Met968Lys)

Gene: NF1 (neurofibromin 1; plus strand). Cytogenetic location: 17q11.2.
Variant type: single nucleotide variant.
Coding change: c.2903T>A on transcript NM_001042492.3 (MANE Select); coding-DNA position 2903, T replaced by A.
Protein change: p.Met968Lys; replaces methionine 968 with lysine.
Molecular consequence: missense variant.
Genome position (GRCh38, 1-based): chr17:31,229,887, T>A. VCF-style: chr17-31229887-T-A. GRCh37 (hg19) VCF-style: chr17-29556905-T-A.
Other names: c.2903T>A, p.Met968Lys (NM_000267.4); short protein forms M968K.
Identifiers: ClinVar variation 1463752 (VCV001463752.6), dbSNP rs199474749, ClinGen allele CA398986135.

ClinVar aggregate classification (germline): Uncertain significance (1 of 4 stars; one submission).

Conditions:
Neurofibromatosis, type 1 (NF1). Also called: NEUROFIBROMATOSIS, TYPE I, SOMATIC; VON RECKLINGHAUSEN DISEASE; Peripheral type neurofibromatosis; Neurofibromatosis, type I. Identifiers: Orphanet 636, MedGen C0027831, MONDO:0018975, OMIM 162200. Disease mechanism: loss of function.

Submission:

Labcorp Genetics (formerly Invitae), Labcorp
Classification: Uncertain significance for Neurofibromatosis, type 1. Last evaluated: 2021-10-06. Review status: criteria provided, single submitter. Criteria: Invitae Variant Classification Sherloc (09022015). Collection method: clinical testing. Allele origin: germline.
Comment: In summary, the available evidence is currently insufficient to determine the role of this variant in disease. Therefore, it has been classified as a Variant of Uncertain Significance. Advanced modeling of protein sequence and biophysical properties (such as structural, functional, and spatial information, amino acid conservation, physicochemical variation, residue mobility, and thermodynamic stability) performed at Invitae indicates that this missense variant is expected to disrupt NF1 protein function. This variant has not been reported in the literature in individuals affected with NF1-related conditions. This variant is not present in population databases (ExAC no frequency). This sequence change replaces methionine with lysine at codon 968 of the NF1 protein (p.Met968Lys). The methionine residue is moderately conserved and there is a moderate physicochemical difference between methionine and lysine.